The following is an entry in ClinVar:

NM_022739.4(SMURF2):c.875A>G (p.Asn292Ser)

Gene: SMURF2 (SMAD specific E3 ubiquitin protein ligase 2; minus strand). Cytogenetic location: 17q23.3.
Variant type: single nucleotide variant.
Coding change: c.875A>G on transcript NM_022739.4 (MANE Select); coding-DNA position 875, A replaced by G.
Protein change: p.Asn292Ser; replaces asparagine 292 with serine.
Molecular consequence: missense variant.
Genome position (GRCh38, 1-based): chr17:64,571,939, T>C on the plus strand (A>G on the coding strand, the complement: SMURF2 is on the minus strand). VCF-style: chr17-64571939-T-C. GRCh37 (hg19) VCF-style: chr17-62568057-T-C.
Other names: short protein forms N292S.
Identifiers: ClinVar variation 727028 (VCV000727028.5), dbSNP rs143629300, ClinGen allele CA8715018.

ClinVar aggregate classification (germline): Benign. Review status: criteria provided, single submitter (1 of 4 stars). 2 submissions from 2 submitters: Benign (1). 1 of the submissions does not count toward it. Last evaluated 2018-05-16.

Conditions:
SMURF2-related disorder. Also called: SMURF2-related condition.

Allele frequency attached by ClinVar (database versions not stated): gnomAD 0.00021 and 0.00033; TOPMed 0.00033; ExAC 0.00070; 1000 Genomes Project 30x 0.00172; 1000 Genomes Project 0.00220.
gnomAD v4.1: 337 of 1,612,400 alleles (0.021%); highest among the groups gnomAD compares: East Asian, 0.64%; 2 homozygotes.

Submissions (2):

Labcorp Genetics (formerly Invitae), Labcorp
Classification: Benign. Last evaluated: 2018-05-16. Review status: criteria provided, single submitter. Criteria: Invitae Variant Classification Sherloc (09022015). Collection method: clinical testing. Allele origin: germline.

PreventionGenetics, part of Exact Sciences
Classification: Benign for SMURF2-related condition. Last evaluated: 2019-08-09. Review status: no assertion criteria provided. Collection method: clinical testing. Allele origin: germline. Not counted in ClinVar's aggregate classification.
Comment: This variant is classified as benign based on ACMG/AMP sequence variant interpretation guidelines (Richards et al. 2015 PMID: 25741868, with internal and published modifications).